The following is an entry in ClinVar:

ClinVar aggregate classification (germline): Conflicting classifications of pathogenicity. Review status: criteria provided, conflicting classifications (1 of 4 stars). 10 submissions from 10 submitters: Uncertain significance (5); Likely benign (5). Last evaluated 2026-06-27.

Conditions:
TTN-related disorder. Also called: TTN-related condition; TTN-related disease; TTN-related disorders.
Dilated cardiomyopathy 1G (CMD1G). Identifiers: Orphanet 154, MedGen C1858763, MONDO:0011400, OMIM 604145.
Autosomal recessive limb-girdle muscular dystrophy type 2J (LGMDR10). Also called: Limb-girdle muscular dystrophy, type 2J; MUSCULAR DYSTROPHY, LIMB-GIRDLE, AUTOSOMAL RECESSIVE 10. Identifiers: Orphanet 140922, MedGen C1837342, MONDO:0012127, OMIM 608807.

Allele frequency attached by ClinVar (database versions not stated): gnomAD exomes 0.00008; ExAC 0.00011; TOPMed 0.00033; gnomAD 0.00038 and 0.00043; ESP Exome Variant Server 0.00051.
gnomAD v4.1: 140 of 1,558,620 alleles (0.009%); highest among the groups gnomAD compares: African/African-American, 0.12%; no homozygotes.

Submissions (10):

PreventionGenetics, part of Exact Sciences
Classification: Uncertain significance for TTN-related condition. Last evaluated: 2026-06-27. Review status: criteria provided, single submitter. Criteria: ACMG Guidelines, 2015. Collection method: clinical testing. Allele origin: germline.
Comment: The TTN c.34571G>A variant is predicted to result in the amino acid substitution p.Arg11524Gln. To our knowledge, this variant has not been reported in the literature. This variant is reported in 0.098% of alleles in individuals of African descent in gnomAD. Although we suspect that this variant may be benign, at this time, the clinical significance of this variant is uncertain due to the absence of conclusive functional and genetic evidence.

Molecular Diagnostic Laboratory for Inherited Cardiovascular Disease, Montreal Heart Institute
Classification: Likely benign. Last evaluated: 2025-04-09. Review status: criteria provided, single submitter. Criteria: ACMG Guidelines, 2015. Collection method: clinical testing. Allele origin: germline. Affected: no.

Athena Diagnostics
Classification: Likely benign. Last evaluated: 2024-10-17. Review status: criteria provided, single submitter. Criteria: Athena Diagnostics Criteria. Collection method: clinical testing. Allele origin: unknown.

Blueprint Genetics
Classification: Likely benign. Last evaluated: 2024-07-19. Review status: criteria provided, single submitter. Criteria: ACMG Guidelines, 2015. Collection method: clinical testing. Allele origin: germline.

Women's Health and Genetics/Laboratory Corporation of America, LabCorp
Classification: Uncertain significance. Last evaluated: 2023-08-19. Review status: criteria provided, single submitter. Criteria: LabCorp Variant Classification Summary - May 2015. Collection method: clinical testing. Allele origin: germline.

Revvity Omics, Revvity
Classification: Uncertain significance. Last evaluated: 2022-02-12. Review status: criteria provided, single submitter. Criteria: ACMG Guidelines, 2015. Collection method: clinical testing. Allele origin: germline.

GeneDx
Classification: Likely benign. Last evaluated: 2020-10-28. Review status: criteria provided, single submitter. Criteria: GeneDx Variant Classification Process June 2021. Collection method: clinical testing. Allele origin: germline. Affected: yes.

Labcorp Genetics (formerly Invitae), Labcorp
Classification: Uncertain significance for Dilated cardiomyopathy 1G; Autosomal recessive limb-girdle muscular dystrophy type 2J. Last evaluated: 2018-01-02. Review status: criteria provided, single submitter. Criteria: Invitae Variant Classification Sherloc (09022015). Collection method: clinical testing. Allele origin: germline.

Eurofins Ntd Llc (ga)
Classification: Uncertain significance. Last evaluated: 2017-12-12. Review status: criteria provided, single submitter. Criteria: EGL Classification Definitions 2015. Collection method: clinical testing. Allele origin: germline. Observed: 4 variant alleles, 4 heterozygotes.

Laboratory for Molecular Medicine, Mass General Brigham Personalized Medicine
Classification: Likely benign. Last evaluated: 2017-07-27. Review status: criteria provided, single submitter. Criteria: LMM Criteria. Collection method: clinical testing. Allele origin: germline. Observed: 1 variant allele.
Comment: p.Arg10223Gln in exon 145 of TTN: This variant is not expected to have clinical significance due to a lack of conservation across species, including mammals. Of note, gibbon, naked mole rat, chinchilla, cat, shrew, and manatee have a Gln at this position despite high nearby amino acid conservation. In addition, computa tional prediction tools do not suggest a high likelihood of impact to the protei n. It has also been identified in 19/20406 African chromosomes by the Genome Agg regation Database (gnomAD; dbSNP rs201622536).

NM_001267550.2(TTN):c.34571G>A (p.Arg11524Gln)

Gene: TTN (titin; minus strand). Cytogenetic location: 2q31.2.
Variant type: single nucleotide variant.
Coding change: c.34571G>A on transcript NM_001267550.2 (MANE Select); coding-DNA position 34571, G replaced by A.
Protein change: p.Arg11524Gln; replaces arginine 11524 with glutamine.
Molecular consequence: missense variant. On other transcripts: intron variant (3).
Genome position (GRCh38, 1-based): chr2:178,675,080, C>T on the plus strand (G>A on the coding strand, the complement: TTN is on the minus strand). VCF-style: chr2-178675080-C-T. GRCh37 (hg19) VCF-style: chr2-179539807-C-T.
Other names: p.R11150Q:CGA>CAA; c.13283-32763G>A (NM_003319.4); c.13859-32763G>A (NM_133437.4); c.13658-32763G>A (NM_133432.3); c.33449G>A, p.Arg11150Gln (NM_001256850.1); c.30668G>A, p.Arg10223Gln (NM_133378.4); c.34571G>A (NM_001267550.1); short protein forms R11150Q, R11524Q, R10223Q.
Identifiers: ClinVar variation 202588 (VCV000202588.21), dbSNP rs201622536, ClinGen allele CA309680.